The following is an entry in ClinVar:

NM_002474.3(MYH11):c.3831G>A (p.Glu1277=)

Gene: MYH11 (myosin heavy chain 11; minus strand). Cytogenetic location: 16p13.11.
Variant type: single nucleotide variant.
Coding change: c.3831G>A on transcript NM_002474.3 (MANE Select); coding-DNA position 3831, G replaced by A.
Protein change: p.Glu1277=; no amino-acid change (glutamic acid 1277 retained).
Molecular consequence: synonymous variant.
Genome position (GRCh38, 1-based): chr16:15,726,875, C>T on the plus strand (G>A on the coding strand, the complement: MYH11 is on the minus strand). VCF-style: chr16-15726875-C-T. GRCh37 (hg19) VCF-style: chr16-15820732-C-T.
Other names: c.3852G>A, p.Glu1284= (NM_001040113.2, NM_001040114.2); c.3831G>A, p.Glu1277= (NM_022844.3).
Identifiers: ClinVar variation 318157 (VCV000318157.19), dbSNP rs752821481, ClinGen allele CA7921879.

ClinVar aggregate classification (germline): Conflicting classifications of pathogenicity. Review status: criteria provided, conflicting classifications (1 of 4 stars). 6 submissions from 6 submitters: Uncertain significance (1); Likely benign (5). Last evaluated 2024-09-04.

Conditions:
Familial thoracic aortic aneurysm and aortic dissection (TAAD). Also called: Thoracic aortic aneurysms and dissections. Identifiers: Orphanet 91387, MedGen C4707243, MONDO:0019625.
Aortic aneurysm, familial thoracic 4 (AAT4). Also called: AORTIC ANEURYSM/AORTIC DISSECTION AND PATENT DUCTUS ARTERIOSUS. Identifiers: MedGen C1851504, MONDO:0007568, OMIM 132900.

Allele frequency attached by ClinVar (database versions not stated): gnomAD exomes below 0.00001 and 0.00002; ExAC 0.00001; gnomAD 0.00001.
gnomAD v4.1: 36 of 1,612,048 alleles (0.0022%); highest among the groups gnomAD compares: Non-Finnish European, 0.0027%; no homozygotes.

Submissions (6):

Ambry Genetics
Classification: Likely benign for Familial thoracic aortic aneurysm and aortic dissection. Last evaluated: 2024-09-04. Review status: criteria provided, single submitter. Criteria: Ambry Variant Classification Scheme 2023. Collection method: clinical testing. Allele origin: germline.

All of Us Research Program, National Institutes of Health
Classification: Likely benign for Familial thoracic aortic aneurysm and aortic dissection. Last evaluated: 2023-12-01. Review status: criteria provided, single submitter. Criteria: ACMG Guidelines, 2015. Collection method: clinical testing. Allele origin: germline. Inheritance: Autosomal dominant inheritance. Observed: 4 variant alleles, 4 heterozygotes.
Comment: This study involves interpretation of variants in research participants for the purpose of population health screening. Participant phenotype was not available at the time of variant classification. Additional details can be found in publication PMID: 35346344, PMCID: PMC8962531

Labcorp Genetics (formerly Invitae), Labcorp
Classification: Likely benign for Aortic aneurysm, familial thoracic 4. Last evaluated: 2023-11-05. Review status: criteria provided, single submitter. Criteria: Invitae Variant Classification Sherloc (09022015). Collection method: clinical testing. Allele origin: germline.

Color Diagnostics, LLC DBA Color Health
Classification: Likely benign for Familial thoracic aortic aneurysm and aortic dissection. Last evaluated: 2019-11-05. Review status: criteria provided, single submitter. Criteria: ACMG Guidelines, 2015. Collection method: clinical testing. Allele origin: germline.

CHEO Genetics Diagnostic Laboratory, Children's Hospital of Eastern Ontario
Classification: Likely benign for Familial thoracic aortic aneurysm and aortic dissection. Last evaluated: 2019-05-06. Review status: criteria provided, single submitter. Criteria: ACMG Guidelines, 2015. Collection method: clinical testing. Allele origin: germline.

Illumina Laboratory Services, Illumina
Classification: Uncertain significance for Aortic aneurysm, familial thoracic 4. Last evaluated: 2018-01-13. Review status: criteria provided, single submitter. Criteria: ICSL Variant Classification Criteria 13 December 2019. Collection method: clinical testing. Allele origin: germline.